The following is an entry in ClinVar:

ClinVar aggregate classification (germline): Uncertain significance (1 of 4 stars; one submission).

Conditions:
Intellectual disability, X-linked, with or without seizures, ARX-related. Also called: INTELLECTUAL DEVELOPMENTAL DISORDER, X-LINKED 29; Mental retardation, X-linked 52; MENTAL RETARDATION, X-LINKED 29; MENTAL RETARDATION, X-LINKED 32; MENTAL RETARDATION, X-LINKED 33; MENTAL RETARDATION, X-LINKED 38. Identifiers: Orphanet 777, MedGen C0796244, MONDO:0010317, OMIM 300419.
Developmental and epileptic encephalopathy, 1 (DEE1). Also called: X-linked infantile spasms; West's syndrome; Tonic spasms with clustering, arrest of psychomotor development and hypsarrhythmia on EEG; X-Linked Infantile Spasm Syndrome; OHTAHARA SYNDROME, X-LINKED; Epileptic encephalopathy, early infantile, 1. Identifiers: MedGen C3463992, MONDO:0010632, OMIM 308350. Disease mechanism: loss of function.

Allele frequency attached by ClinVar (database versions not stated): gnomAD 0.00001 and 0.00002; TOPMed 0.00001.
gnomAD v4.1: 2 of 1,153,272 alleles (0.00017%); highest among the groups gnomAD compares: African/African-American, 0.0036%; no homozygotes.

Submission:

Labcorp Genetics (formerly Invitae), Labcorp
Classification: Uncertain significance for Developmental and epileptic encephalopathy, 1; Intellectual disability, X-linked, with or without seizures, ARX-related. Last evaluated: 2024-10-22. Review status: criteria provided, single submitter. Criteria: Invitae Variant Classification Sherloc (09022015). Collection method: clinical testing. Allele origin: germline.
Comment: This sequence change replaces glutamic acid, which is acidic and polar, with lysine, which is basic and polar, at codon 232 of the ARX protein (p.Glu232Lys). This variant is not present in population databases (gnomAD no frequency). This variant has not been reported in the literature in individuals affected with ARX-related conditions. ClinVar contains an entry for this variant (Variation ID: 1053982). Invitae Evidence Modeling of protein sequence and biophysical properties (such as structural, functional, and spatial information, amino acid conservation, physicochemical variation, residue mobility, and thermodynamic stability) indicates that this missense variant is not expected to disrupt ARX protein function with a negative predictive value of 95%. In summary, the available evidence is currently insufficient to determine the role of this variant in disease. Therefore, it has been classified as a Variant of Uncertain Significance.

NM_139058.3(ARX):c.694G>A (p.Glu232Lys)

Gene: ARX (aristaless related homeobox; minus strand). Cytogenetic location: Xp21.3.
Variant type: single nucleotide variant.
Coding change: c.694G>A on transcript NM_139058.3 (MANE Select); coding-DNA position 694, G replaced by A.
Protein change: p.Glu232Lys; replaces glutamic acid 232 with lysine.
Molecular consequence: missense variant.
Genome position (GRCh38, 1-based): chrX:25,013,301, C>T on the plus strand (G>A on the coding strand, the complement: ARX is on the minus strand). VCF-style: chrX-25013301-C-T. GRCh37 (hg19) VCF-style: chrX-25031418-C-T.
Other names: short protein forms E232K.
Identifiers: ClinVar variation 1053982 (VCV001053982.11), dbSNP rs1026478061, ClinGen allele CA327733049.